The following is an entry in ClinVar:

ClinVar aggregate classification (germline): Likely benign. Review status: criteria provided, multiple submitters, no conflicts (2 of 4 stars). 2 submissions from 2 submitters: Likely benign (2). Last evaluated 2025-05-14.

Conditions:
IGHMBP2-related disorder. Also called: IGHMBP2-related disorders; IGHMBP2-related condition.
Charcot-Marie-Tooth disease axonal type 2S. Also called: CHARCOT-MARIE-TOOTH DISEASE, AXONAL, AUTOSOMAL RECESSIVE, TYPE 2S; CHARCOT-MARIE-TOOTH NEUROPATHY, TYPE 2S. Identifiers: Orphanet 443073, MedGen C4015349, MONDO:0014511, OMIM 616155.
Autosomal recessive distal spinal muscular atrophy 1. Also called: HMN VI; NEURONOPATHY, SEVERE INFANTILE AXONAL, WITH RESPIRATORY FAILURE; SEVERE INFANTILE AXONAL NEUROPATHY WITH RESPIRATORY FAILURE; SPINAL MUSCULAR ATROPHY, DIAPHRAGMATIC; Spinal muscular atrophy with respiratory distress 1; NEURONOPATHY, DISTAL HEREDITARY MOTOR, HARDING TYPE VI. Identifiers: Orphanet 98920, MedGen C1858517, MONDO:0011436, OMIM 604320.

Allele frequency attached by ClinVar (database versions not stated): gnomAD exomes below 0.00001 and 0.00001; gnomAD 0.00001 and 0.00003; TOPMed 0.00001; ExAC 0.00002.
gnomAD v4.1: 12 of 1,614,058 alleles (0.00074%); highest among the groups gnomAD compares: Middle Eastern, 0.016%; no homozygotes.

Submissions (2):

PreventionGenetics, part of Exact Sciences
Classification: Likely benign for IGHMBP2-related condition. Last evaluated: 2025-05-14. Review status: criteria provided, single submitter. Criteria: ACMG Guidelines, 2015. Collection method: clinical testing. Allele origin: germline.
Comment: This variant is classified as likely benign based on ACMG/AMP sequence variant interpretation guidelines (Richards et al. 2015 PMID: 25741868, with internal and published modifications).

Labcorp Genetics (formerly Invitae), Labcorp
Classification: Likely benign for Autosomal recessive distal spinal muscular atrophy 1; Charcot-Marie-Tooth disease axonal type 2S. Last evaluated: 2024-10-10. Review status: criteria provided, single submitter. Criteria: Invitae Variant Classification Sherloc (09022015). Collection method: clinical testing. Allele origin: germline.

NM_002180.3(IGHMBP2):c.1791C>T (p.Ile597=)

Gene: IGHMBP2 (immunoglobulin mu DNA binding protein 2; plus strand). Cytogenetic location: 11q13.3.
Variant type: single nucleotide variant.
Coding change: c.1791C>T on transcript NM_002180.3 (MANE Select); coding-DNA position 1791, C replaced by T.
Protein change: p.Ile597=; no amino-acid change (isoleucine 597 retained).
Molecular consequence: synonymous variant.
Genome position (GRCh38, 1-based): chr11:68,936,271, C>T. VCF-style: chr11-68936271-C-T. GRCh37 (hg19) VCF-style: chr11-68703739-C-T.
Other names: c.1791C>T (NM_002180.2).
Identifiers: ClinVar variation 1609214 (VCV001609214.9), dbSNP rs780440710, ClinGen allele CA6153779.